The following is an entry in ClinVar:

ClinVar aggregate classification (germline): Benign. Review status: criteria provided, multiple submitters, no conflicts (2 of 4 stars). 5 submissions from 5 submitters: Benign (4). 1 of the submissions does not count toward it. Last evaluated 2026-02-03.

Conditions:
Hyperammonemic encephalopathy due to carbonic anhydrase VA deficiency. Also called: Carbonic Anhydrase VA Deficiency; Carbonic anhydrase VA deficiency, hyperammonemia due to. Identifiers: Orphanet 401948, MedGen C4706871, MONDO:0014332, OMIM 615751.

Allele frequency attached by ClinVar (database versions not stated): gnomAD 0.16645; 1000 Genomes Project 30x 0.16724; TOPMed 0.16875; 1000 Genomes Project 0.17252; ESP Exome Variant Server 0.18452.
gnomAD v4.1: 315,225 of 1,613,382 alleles (20%); highest among the groups gnomAD compares: South Asian, 26%; 31,937 homozygotes.

Submissions (10):

Labcorp Genetics (formerly Invitae), Labcorp
Classification: Benign for Hyperammonemic encephalopathy due to carbonic anhydrase VA deficiency. Last evaluated: 2026-02-03. Review status: criteria provided, single submitter. Criteria: Invitae Variant Classification Sherloc (09022015). Collection method: clinical testing. Allele origin: germline.

Genome-Nilou Lab
Classification: Benign for Hyperammonemic encephalopathy due to carbonic anhydrase VA deficiency. Last evaluated: 2021-07-14. Review status: criteria provided, single submitter. Criteria: ACMG Guidelines, 2015. Collection method: clinical testing. Allele origin: germline. Affected: no.

GeneDx
Classification: Benign. Last evaluated: 2016-01-24. Review status: criteria provided, single submitter. Criteria: GeneDx Variant Classification (06012015). Collection method: clinical testing. Allele origin: germline. Affected: yes.
Comment: This variant is considered likely benign or benign based on one or more of the following criteria: it is a conservative change, it occurs at a poorly conserved position in the protein, it is predicted to be benign by multiple in silico algorithms, and/or has population frequency not consistent with disease.

Breakthrough Genomics
Classification: Benign. Review status: criteria provided, single submitter. Criteria: ACMG Guidelines, 2015. Collection method: not provided. Allele origin: germline. Inheritance: Autosomal recessive inheritance. Affected: yes.

Mayo Clinic Laboratories, Mayo Clinic
Classification: Benign. Last evaluated: 2016-02-23. Review status: no assertion criteria provided. Collection method: clinical testing. Allele origin: unknown. Not counted in ClinVar's aggregate classification.

Dr. Peter K. Rogan Lab, Western University
No classification provided (evidence only). Condition: Malignant lymphoma, large B-cell, diffuse. Review status: no classification provided. Collection method: in vitro. Allele origin: not applicable. Functional consequence: retained intron. Not counted in ClinVar's aggregate classification.

Dr. Peter K. Rogan Lab, Western University
No classification provided (evidence only). Condition: Malignant lymphoma, large B-cell, diffuse. Review status: no classification provided. Collection method: in vitro. Allele origin: not applicable. Functional consequence: retained intron. Not counted in ClinVar's aggregate classification.

Dr. Peter K. Rogan Lab, Western University
No classification provided (evidence only). Condition: Malignant lymphoma, large B-cell, diffuse. Review status: no classification provided. Collection method: in vitro. Allele origin: not applicable. Functional consequence: retained intron. Not counted in ClinVar's aggregate classification.

Dr. Peter K. Rogan Lab, Western University
No classification provided (evidence only). Condition: Uterine carcinosarcoma. Review status: no classification provided. Collection method: in vitro. Allele origin: not applicable. Functional consequence: retained intron. Not counted in ClinVar's aggregate classification.

Dr. Peter K. Rogan Lab, Western University
No classification provided (evidence only). Condition: Uterine carcinosarcoma. Review status: no classification provided. Collection method: in vitro. Allele origin: not applicable. Functional consequence: retained intron. Not counted in ClinVar's aggregate classification.

NM_001739.2(CA5A):c.807A>T (p.Ala269=)

Gene: CA5A (carbonic anhydrase 5A; minus strand). Cytogenetic location: 16q24.2.
Variant type: single nucleotide variant.
Coding change: c.807A>T on transcript NM_001739.2 (MANE Select); coding-DNA position 807, A replaced by T.
Protein change: p.Ala269=; no amino-acid change (alanine 269 retained).
Molecular consequence: synonymous variant. On other transcripts: non-coding transcript variant (2), intron variant (1).
Genome position (GRCh38, 1-based): chr16:87,888,240, T>A on the plus strand (A>T on the coding strand, the complement: CA5A is on the minus strand). VCF-style: chr16-87888240-T-A. GRCh37 (hg19) VCF-style: chr16-87921846-T-A.
Other names: c.774+3559A>T (NM_001367225.1).
Identifiers: ClinVar variation 379955 (VCV000379955.18), dbSNP rs72816311, ClinGen allele CA8223247.